The following is an entry in ClinVar:

ClinVar aggregate classification (germline): Uncertain significance (1 of 4 stars; one submission).

Conditions:
Amyotrophic lateral sclerosis type 10 (ALS10). Also called: AMYOTROPHIC LATERAL SCLEROSIS 10 WITHOUT FRONTOTEMPORAL DEMENTIA AND WITH TDP43 INCLUSIONS; AMYOTROPHIC LATERAL SCLEROSIS 10 WITH OR WITHOUT FRONTOTEMPORAL DEMENTIA AND WITH TDP43 INCLUSIONS; AMYOTROPHIC LATERAL SCLEROSIS 10 WITH OR WITHOUT FRONTOTEMPORAL DEMENTIA; Amyotrophic lateral sclerosis 10, with or without FTD; TARDBP-Related Amyotrophic Lateral Sclerosis-Frontotemporal Dementia. Identifiers: Orphanet 275872, Orphanet 803, MedGen C2677565, MONDO:0012790, OMIM 612069.
FRONTOTEMPORAL LOBAR DEGENERATION WITH TDP43 INCLUSIONS, TARDBP-RELATED. Also called: Frontotemporal lobar degeneration, TARDBP-related. Identifiers: MedGen C3150169, OMIM 612069.

Submission:

Labcorp Genetics (formerly Invitae), Labcorp
Classification: Uncertain significance for Amyotrophic lateral sclerosis type 10; FRONTOTEMPORAL LOBAR DEGENERATION WITH TDP43 INCLUSIONS, TARDBP-RELATED. Last evaluated: 2018-10-31. Review status: criteria provided, single submitter. Criteria: Invitae Variant Classification Sherloc (09022015). Collection method: clinical testing. Allele origin: germline.
Comment: In summary, the available evidence is currently insufficient to determine the role of this variant in disease. Therefore, it has been classified as a Variant of Uncertain Significance. Experimental studies and prediction algorithms are not available for this variant, and the functional significance of the affected amino acid(s) is currently unknown. This variant has not been reported in the literature in individuals with TARDBP-related disease. This variant is not present in population databases (ExAC no frequency). This variant, c.1108_1122dup, results in the insertion of 5 amino acids to the TARDBP protein (p.Gly370_Tyr374dup), but otherwise preserves the integrity of the reading frame.

NM_007375.4(TARDBP):c.1108_1122dup (p.Gly370_Tyr374dup)

Gene: TARDBP (TAR DNA binding protein; plus strand). Cytogenetic location: 1p36.22.
Variant type: Duplication.
Coding change: c.1108_1122dup on transcript NM_007375.4 (MANE Select); coding-DNA positions 1108 to 1122, 15 bases duplicated (GGAAATAACTCTTAT).
Protein change: p.Gly370_Tyr374dup.
Molecular consequence: inframe insertion.
Genome position (GRCh38, 1-based): chr1:11,022,517-11,022,531, GGAAATAACTCTTAT duplicated; duplicating any 15 consecutive bases within chr1:11,022,516-11,022,531 gives the same sequence; the c. name uses the placement nearest the transcript's 3' end. VCF-style (leftmost placement, unchanged base first): chr1-11022515-C-CTGGAAATAACTCTTA. GRCh37 (hg19) VCF-style: chr1-11082572-C-CTGGAAATAACTCTTA.
Identifiers: ClinVar variation 641575 (VCV000641575.8), dbSNP rs1570725407, ClinGen allele CA915941121.